The following is an entry in ClinVar:

ClinVar aggregate classification (germline): Likely pathogenic (1 of 4 stars; one submission).

Conditions:
Cohen syndrome (COH1). Also called: PEPPER SYNDROME; Cutis verticis gyrata, retinitis pigmentosa, and sensorineural deafness. Identifiers: Orphanet 193, MedGen C0265223, MONDO:0008999, OMIM 216550.

Submission:

Myriad Genetics, Inc.
Classification: Likely pathogenic for Cohen syndrome. Last evaluated: 2022-01-23. Review status: criteria provided, single submitter. Criteria: Myriad Women's Health Autosomal Recessive and X-Linked Classification Criteria (2021). Collection method: clinical testing. Allele origin: unknown.
Comment: NM_017890.4(VPS13B):c.2908A>T(K970*) is expected to be pathogenic in the context of Cohen syndrome. This variant is predicted to lead to an abnormal or absent protein product due to the creation of a premature termination codon in VPS13B, a gene where loss-of-function variants are known to be pathogenic. Please note: this variant was assessed in the context of healthy population screening.

NM_152564.5(VPS13B):c.2908A>T (p.Lys970Ter)

Gene: VPS13B (vacuolar protein sorting 13 homolog B; plus strand). Cytogenetic location: 8q22.2.
Variant type: single nucleotide variant.
Coding change: c.2908A>T on transcript NM_152564.5 (MANE Select); coding-DNA position 2908, A replaced by T.
Protein change: p.Lys970Ter; replaces lysine 970 with a stop codon.
Molecular consequence: nonsense.
Genome position (GRCh38, 1-based): chr8:99,384,291, A>T. VCF-style: chr8-99384291-A-T. GRCh37 (hg19) VCF-style: chr8-100396519-A-T.
Other names: c.2908A>T, p.Lys970Ter (NM_017890.5); short protein forms K970*.
Identifiers: ClinVar variation 1724011 (VCV001724011.2), dbSNP rs2489827477, ClinGen allele CA371864894.